The following is an entry in ClinVar:

NM_004589.4(SCO1):c.628A>C (p.Lys210Gln)

Gene: SCO1 (synthesis of cytochrome C oxidase 1; minus strand). Cytogenetic location: 17p13.1.
Variant type: single nucleotide variant.
Coding change: c.628A>C on transcript NM_004589.4 (MANE Select); coding-DNA position 628, A replaced by C.
Protein change: p.Lys210Gln; replaces lysine 210 with glutamine.
Molecular consequence: missense variant.
Genome position (GRCh38, 1-based): chr17:10,691,899, T>G on the plus strand (A>C on the coding strand, the complement: SCO1 is on the minus strand). VCF-style: chr17-10691899-T-G. GRCh37 (hg19) VCF-style: chr17-10595216-T-G.
Other names: short protein forms K210Q.
Identifiers: ClinVar variation 1028271 (VCV001028271.1), dbSNP rs369847747, ClinGen allele CA398130876.

ClinVar aggregate classification (germline): Uncertain significance (1 of 4 stars; one submission).

Conditions:
Mitochondrial complex IV deficiency, nuclear type 1 (MC4DN1). Also called: COX DEFICIENCY; Mitochondrial complex IV deficiency; Complex 4 mitochondrial respiratory chain deficiency; Deficiency of mitochondrial respiratory chain complex4; Complex IV deficiency. Identifiers: MedGen C5435656, MONDO:0700250, OMIM 220110. Disease mechanism: loss of function.

gnomAD v4.1: 1 of 1,612,776 alleles (0.000062%); highest among the groups gnomAD compares: Middle Eastern, 0.016%; no homozygotes.

Submission:

Baylor Genetics
Classification: Uncertain significance for Mitochondrial complex IV deficiency, nuclear type 1. Last evaluated: 2020-05-05. Review status: criteria provided, single submitter. Criteria: ACMG Guidelines, 2015. Collection method: clinical testing. Allele origin: unknown. Affected: yes.
Comment: This variant was determined to be of uncertain significance according to ACMG Guidelines, 2015 [PMID:25741868].